The following is an entry in ClinVar:

NM_000548.5(TSC2):c.1119+7T>G

Gene: TSC2 (TSC complex subunit 2; plus strand). Cytogenetic location: 16p13.3.
Variant type: single nucleotide variant.
Coding change: c.1119+7T>G on transcript NM_000548.5 (MANE Select); 7 bases into the intron after coding-DNA position 1119, T replaced by G.
Molecular consequence: intron variant.
Genome position (GRCh38, 1-based): chr16:2,060,820, T>G. VCF-style: chr16-2060820-T-G. GRCh37 (hg19) VCF-style: chr16-2110821-T-G.
Other names: c.1119+7T>G (NM_001114382.3, NM_021055.3, NM_001370405.1 and 3 more transcripts); c.1008+7T>G (NM_001318827.2); c.519+7T>G (NM_001318831.2); c.972+7T>G (NM_001318829.2); c.1152+7T>G (NM_001318832.2).
Identifiers: ClinVar variation 931277 (VCV000931277.3), dbSNP rs778981693, ClinGen allele CA7828383.

ClinVar aggregate classification (germline): Uncertain significance (1 of 4 stars; one submission).

Conditions:
Lymphangiomyomatosis (LAM). Also called: Lymphangioleiomyomatosis; Lymphangioleiomyomatosis, somatic. Identifiers: Orphanet 538, MedGen C0751674, MONDO:0011705, OMIM 606690.

Allele frequency attached by ClinVar (database versions not stated): gnomAD exomes below 0.00001; ExAC 0.00001.
gnomAD v4.1: 2 of 1,612,604 alleles (0.00012%); highest among the groups gnomAD compares: South Asian, 0.0022%; no homozygotes.

Submission:

Centre for Mendelian Genomics, University Medical Centre Ljubljana
Classification: Uncertain significance for Lymphangiomyomatosis. Last evaluated: 2019-01-09. Review status: criteria provided, single submitter. Criteria: ACMG Guidelines, 2015. Collection method: clinical testing. Allele origin: unknown. Affected: yes.
Comment: This variant was classified as: Uncertain significance. The available evidence on this variant's pathogenicity is insufficient or conflicting. The following ACMG criteria were applied in classifying this variant: BP4.